The following is an entry in ClinVar:

NM_015102.5(NPHP4):c.3702G>A (p.Gln1234=)

Gene: NPHP4 (nephrocystin 4; minus strand). Cytogenetic location: 1p36.31.
Variant type: single nucleotide variant.
Coding change: c.3702G>A on transcript NM_015102.5 (MANE Select); coding-DNA position 3702, G replaced by A.
Protein change: p.Gln1234=; no amino-acid change (glutamine 1234 retained).
Molecular consequence: synonymous variant. On other transcripts: non-coding transcript variant (1).
Genome position (GRCh38, 1-based): chr1:5,865,216, C>T on the plus strand (G>A on the coding strand, the complement: NPHP4 is on the minus strand). VCF-style: chr1-5865216-C-T. GRCh37 (hg19) VCF-style: chr1-5925276-C-T.
Other names: c.2163G>A, p.Gln721= (NM_001291593.2); c.2166G>A, p.Gln722= (NM_001291594.2).
Identifiers: ClinVar variation 1995634 (VCV001995634.4), dbSNP rs761991628, ClinGen allele CA415787495.
Genomic context (GRCh38, chr1:5,865,216, plus strand): 5'-CCCCCGAAGGACAAGGGACAGGCGGGTCAGCTGGCCTGCGACGCAGGAGACATCCACGCG[C>T]TGCAGGGAGTGGAGGTAGACCTGCCACGTCTGTGTGGGTGTCGCCAGCCAGCGATCCCTG-3'
Protein context (NP_055917.1, residues 1224-1244): QTWQVYLHSL[Gln1234=]RVDVSCVAGQ

ClinVar aggregate classification (germline): Uncertain significance (1 of 4 stars; one submission).

Conditions:
Nephronophthisis. Also called: Juvenile Nephronophthisis. Identifiers: Orphanet 655, MedGen C0687120, MONDO:0019005, HP:0000090.

Submission:

Labcorp Genetics (formerly Invitae), Labcorp
Classification: Uncertain significance for Nephronophthisis. Last evaluated: 2022-05-17. Review status: criteria provided, single submitter. Criteria: Invitae Variant Classification Sherloc (09022015). Collection method: clinical testing. Allele origin: germline.
Comment: In summary, the available evidence is currently insufficient to determine the role of this variant in disease. Therefore, it has been classified as a Variant of Uncertain Significance. Algorithms developed to predict the effect of sequence changes on RNA splicing suggest that this variant may disrupt the consensus splice site. This variant has not been reported in the literature in individuals affected with NPHP4-related conditions. This variant is not present in population databases (gnomAD no frequency). This sequence change affects codon 1234 of the NPHP4 mRNA. It is a 'silent' change, meaning that it does not change the encoded amino acid sequence of the NPHP4 protein.